The following is an entry in ClinVar:

NM_000448.3(RAG1):c.1076C>T (p.Pro359Leu)

Gene: RAG1 (recombination activating 1; plus strand). Cytogenetic location: 11p12.
Variant type: single nucleotide variant.
Coding change: c.1076C>T on transcript NM_000448.3 (MANE Select); coding-DNA position 1076, C replaced by T.
Protein change: p.Pro359Leu; replaces proline 359 with leucine.
Molecular consequence: missense variant.
Genome position (GRCh38, 1-based): chr11:36,574,380, C>T. VCF-style: chr11-36574380-C-T. GRCh37 (hg19) VCF-style: chr11-36595930-C-T.
Other names: c.1076C>T, p.Pro359Leu (NM_001377277.1, NM_001377278.1, NM_001377279.1 and 1 more transcripts); short protein forms P359L.
Identifiers: ClinVar variation 3751328 (VCV003751328.2).

ClinVar aggregate classification (germline): Uncertain significance (1 of 4 stars; one submission).

Conditions:
Severe combined immunodeficiency, autosomal recessive, T cell-negative, B cell-negative, NK cell-positive. Also called: Severe combined immunodeficiency due to complete RAG1/2 deficiency; SCID, T CELL-NEGATIVE, B CELL-NEGATIVE, NK CELL-POSITIVE; SCID, AR, T-cell negative, B-cell negative, NK cell-positive. Identifiers: Orphanet 331206, MedGen C1832322, MONDO:0011086, OMIM 601457.
Combined immunodeficiency with skin granulomas. Identifiers: Orphanet 157949, MedGen C2673536, MONDO:0009306, OMIM 233650.

gnomAD v4.1: 1 of 1,614,038 alleles (0.000062%); highest among the groups gnomAD compares: East Asian, 0.0022%; no homozygotes.

Submission:

Labcorp Genetics (formerly Invitae), Labcorp
Classification: Uncertain significance for Combined immunodeficiency with skin granulomas; Severe combined immunodeficiency, autosomal recessive, T cell-negative, B cell-negative, NK cell-positive. Last evaluated: 2025-06-06. Review status: criteria provided, single submitter. Criteria: Invitae Variant Classification Sherloc (09022015). Collection method: clinical testing. Allele origin: germline.
Comment: This sequence change replaces proline, which is neutral and non-polar, with leucine, which is neutral and non-polar, at codon 359 of the RAG1 protein (p.Pro359Leu). This variant is present in population databases (rs778416211, gnomAD 0.02%). This variant has not been reported in the literature in individuals affected with RAG1-related conditions. ClinVar contains an entry for this variant (Variation ID: 3751328). Invitae Evidence Modeling of protein sequence and biophysical properties (such as structural, functional, and spatial information, amino acid conservation, physicochemical variation, residue mobility, and thermodynamic stability) indicates that this missense variant is not expected to disrupt RAG1 protein function with a negative predictive value of 80%. In summary, the available evidence is currently insufficient to determine the role of this variant in disease. Therefore, it has been classified as a Variant of Uncertain Significance.